The following is an entry in ClinVar:

NM_003051.4(SLC16A1):c.1054A>G (p.Thr352Ala)

Gene: SLC16A1 (solute carrier family 16 member 1; minus strand). Cytogenetic location: 1p13.2.
Variant type: single nucleotide variant.
Coding change: c.1054A>G on transcript NM_003051.4 (MANE Select); coding-DNA position 1054, A replaced by G.
Protein change: p.Thr352Ala; replaces threonine 352 with alanine.
Molecular consequence: missense variant.
Genome position (GRCh38, 1-based): chr1:112,917,352, T>C on the plus strand (A>G on the coding strand, the complement: SLC16A1 is on the minus strand). VCF-style: chr1-112917352-T-C. GRCh37 (hg19) VCF-style: chr1-113459974-T-C.
Other names: c.1054A>G, p.Thr352Ala (NM_001166496.2); short protein forms T352A.
Identifiers: ClinVar variation 2883348 (VCV002883348.3), dbSNP rs1180483725, ClinGen allele CA341827635.

ClinVar aggregate classification (germline): Uncertain significance (1 of 4 stars; one submission).

Allele frequency attached by ClinVar (database versions not stated): TOPMed 0.00002; gnomAD 0.00001.
gnomAD v4.1: 3 of 1,613,892 alleles (0.00019%); highest among the groups gnomAD compares: African/African-American, 0.0027%; no homozygotes.

Submission:

Labcorp Genetics (formerly Invitae), Labcorp
Classification: Uncertain significance. Last evaluated: 2025-05-07. Review status: criteria provided, single submitter. Criteria: Invitae Variant Classification Sherloc (09022015). Collection method: clinical testing. Allele origin: germline.
Comment: This sequence change replaces threonine, which is neutral and polar, with alanine, which is neutral and non-polar, at codon 352 of the SLC16A1 protein (p.Thr352Ala). This variant is present in population databases (no rsID available, gnomAD 0.003%). This variant has not been reported in the literature in individuals affected with SLC16A1-related conditions. ClinVar contains an entry for this variant (Variation ID: 2883348). An algorithm developed to predict the effect of missense changes on protein structure and function (PolyPhen-2) suggests that this variant is likely to be tolerated. In summary, the available evidence is currently insufficient to determine the role of this variant in disease. Therefore, it has been classified as a Variant of Uncertain Significance.